The following is an entry in ClinVar:

ClinVar aggregate classification (germline): Uncertain significance (1 of 4 stars; one submission).

Submission:

Women's Health and Genetics/Laboratory Corporation of America, LabCorp
Classification: Uncertain significance. Last evaluated: 2022-07-08. Review status: criteria provided, single submitter. Criteria: LabCorp Variant Classification Summary - May 2015. Collection method: clinical testing. Allele origin: germline.
Comment: Variant summary: ELOVL5 c.889_890dupCG (p.Lys298GlyfsX22) causes a frameshift which results in an extension of the protein and replaces the last two amino acids with 21 other amino acids. The variant allele was found at a frequency of 1.2e-05 in 250796 control chromosomes (gnomAD). The available data on variant occurrences in the general population are insufficient to allow any conclusion about variant significance. To our knowledge, no occurrence of c.889_890dupCG in individuals affected with Spinocerebellar Ataxia Type 38 and no experimental evidence demonstrating its impact on protein function have been reported. No clinical diagnostic laboratories have submitted clinical-significance assessments for this variant to ClinVar after 2014. Based on the evidence outlined above, the variant was classified as uncertain significance.

NM_021814.5(ELOVL5):c.889_890dup (p.Lys298fs)

Gene: ELOVL5 (ELOVL fatty acid elongase 5; minus strand). Cytogenetic location: 6p12.1.
Variant type: Duplication.
Coding change: c.889_890dup on transcript NM_021814.5 (MANE Select); coding-DNA positions 889 to 890, 2 bases duplicated (CG; older notation c.889_890dupCG).
Protein change: p.Lys298fs; shifts the reading frame from lysine 298.
Molecular consequence: frameshift variant.
Genome position (GRCh38, 1-based): chr6:53,269,137-53,269,138, CG duplicated on the plus strand (CG on the coding strand, the reverse complement: ELOVL5 is on the minus strand); duplicating any 2 consecutive bases within chr6:53,269,137-53,269,139 gives the same sequence; the c. name uses the placement nearest the transcript's 3' end. VCF-style (leftmost placement, unchanged base first): chr6-53269136-C-CCG. GRCh37 (hg19) VCF-style: chr6-53133934-C-CCG.
Other names: c.970_971dup, p.Lys325fs (NM_001242828.2); c.764_765dup, p.Glu256fs (NM_001242830.2); c.889_890dup, p.Lys298fs (NM_001301856.2); short protein forms E256fs, K325fs, K298fs.
Identifiers: ClinVar variation 1704595 (VCV001704595.1), dbSNP rs779507394, ClinGen allele CA3859593.